The following is an entry in ClinVar:

ClinVar aggregate classification (germline): Uncertain significance (1 of 4 stars; one submission).

Conditions:
Hereditary cancer-predisposing syndrome. Also called: Hereditary Cancer Syndrome; Hereditary neoplastic syndrome; Neoplastic Syndromes, Hereditary; Tumor predisposition. Identifiers: Orphanet 140162, MedGen C0027672, MeSH D009386, MONDO:0015356.

Submission:

Ambry Genetics
Classification: Uncertain significance for Hereditary cancer-predisposing syndrome. Last evaluated: 2025-06-20. Review status: criteria provided, single submitter. Criteria: Ambry Variant Classification Scheme 2023. Collection method: clinical testing. Allele origin: germline.
Comment: The p.W103C variant (also known as c.309G>T), located in coding exon 3 of the CDH1 gene, results from a G to T substitution at nucleotide position 309. The tryptophan at codon 103 is replaced by cysteine, an amino acid with highly dissimilar properties. This amino acid position is highly conserved in available vertebrate species. In addition, the in silico prediction for this alteration is inconclusive. Based on the available evidence, the clinical significance of this variant remains unclear.

NM_004360.5(CDH1):c.309G>T (p.Trp103Cys)

Gene: CDH1 (cadherin 1; plus strand). Cytogenetic location: 16q22.1.
Variant type: single nucleotide variant.
Coding change: c.309G>T on transcript NM_004360.5 (MANE Select); coding-DNA position 309, G replaced by T.
Protein change: p.Trp103Cys; replaces tryptophan 103 with cysteine.
Molecular consequence: missense variant. On other transcripts: 5 prime UTR variant (2).
Genome position (GRCh38, 1-based): chr16:68,801,815, G>T. VCF-style: chr16-68801815-G-T. GRCh37 (hg19) VCF-style: chr16-68835718-G-T.
Other names: c.309G>T, p.Trp103Cys (NM_001317184.2); c.-1307G>T (NM_001317185.2); c.-1511G>T (NM_001317186.2); short protein forms W103C.
Identifiers: ClinVar variation 4223594 (VCV004223594.1).